The following is an entry in ClinVar:

ClinVar aggregate classification (germline): Uncertain significance (1 of 4 stars; one submission).

Conditions:
Inborn genetic diseases. Identifiers: MedGen C0950123, MeSH D030342.

Submission:

Ambry Genetics
Classification: Uncertain significance for Inborn genetic diseases. Last evaluated: 2022-08-28. Review status: criteria provided, single submitter. Criteria: Ambry Variant Classification Scheme 2023. Collection method: clinical testing. Allele origin: germline.
Comment: The p.D573A variant (also known as c.1718A>C), located in coding exon 18 of the ERCC2 gene, results from an A to C substitution at nucleotide position 1718. The aspartic acid at codon 573 is replaced by alanine, an amino acid with dissimilar properties. This amino acid position is conserved. In addition, the in silico prediction for this alteration is inconclusive. Since supporting evidence is limited at this time, the clinical significance of this alteration remains unclear.

NM_000400.4(ERCC2):c.1718A>C (p.Asp573Ala)

Gene: ERCC2 (ERCC excision repair 2, TFIIH core complex helicase subunit; minus strand). Cytogenetic location: 19q13.32.
Variant type: single nucleotide variant.
Coding change: c.1718A>C on transcript NM_000400.4 (MANE Select); coding-DNA position 1718, A replaced by C.
Protein change: p.Asp573Ala; replaces aspartic acid 573 with alanine.
Molecular consequence: missense variant.
Genome position (GRCh38, 1-based): chr19:45,353,282, T>G on the plus strand (A>C on the coding strand, the complement: ERCC2 is on the minus strand). VCF-style: chr19-45353282-T-G. GRCh37 (hg19) VCF-style: chr19-45856540-T-G.
Other names: short protein forms D573A.
Identifiers: ClinVar variation 1778660 (VCV001778660.2), dbSNP rs771423657, ClinGen allele CA406364430.